The following is an entry in ClinVar:

NM_032043.2(BRIP1):c.1474-?_1628+?del

Gene: BRIP1 (BRCA1 interacting DNA helicase 1; minus strand).
Variant type: Deletion.
Coding change: c.1474-?_1628+?del on transcript NM_032043.2.
Other names: c.1474-?_1628+?del (LRG_300t1).
Identifiers: ClinVar variation 219676 (VCV000219676.2).

ClinVar aggregate classification (germline): Pathogenic (1 of 4 stars; one submission).

Conditions:
Familial cancer of breast. Also called: hereditary breast carcinoma; Hereditary breast cancer; BREAST CANCER, FAMILIAL. Identifiers: Orphanet 227535, MedGen C0346153, MONDO:0016419, OMIM 114480. Disease mechanism: loss of function.

Submission:

Labcorp Genetics (formerly Invitae), Labcorp
Classification: Pathogenic for Familial cancer of breast. Last evaluated: 2015-07-30. Review status: criteria provided, single submitter. Criteria: Invitae Variant Classification Sherloc (09022015). Collection method: clinical testing. Allele origin: germline.
Comment: This sequence change is a gross deletion of the genomic region encompassing exon 11 of the BRIP1 gene. This deletion extends to both edges of the assayed exon, and the exact 5' and 3' boundaries of this event are not known. This gross deletion is predicted to result in a frameshift at codon 492. This creates a premature translational stop signal (p.Gly492IlefsX4) and is expected to result in an absent or disrupted protein product. While this particular deletion has not been reported in the literature, truncating variants in BRIP1 are known to be pathogenic (PMID: 16116423, 17033622, 21964575). For these reasons, this variant has been classified as Pathogenic.